The following is an entry in ClinVar:

NM_000101.4(CYBA):c.161delinsTC (p.Tyr54fs)

Gene: CYBA (cytochrome b-245 alpha chain; minus strand). Cytogenetic location: 16q24.2.
Variant type: Indel.
Coding change: c.161delinsTC on transcript NM_000101.4 (MANE Select); coding-DNA position 161, A replaced by TC.
Protein change: p.Tyr54fs; shifts the reading frame from tyrosine 54.
Molecular consequence: frameshift variant.
Genome position (GRCh38, 1-based): chr16:88,647,143, T replaced by GA on the plus strand (A replaced by TC on the coding strand, the reverse complement: CYBA is on the minus strand). VCF-style: chr16-88647143-T-GA. GRCh37 (hg19) VCF-style: chr16-88713551-T-GA.
Other names: short protein forms Y54fs.
Identifiers: ClinVar variation 4817426 (VCV004817426.1).
Genomic context (GRCh38, chr16:88,647,143, plus strand): 5'-GAGCAGGAGGAGACTCACCAGCGCTCCATGGTGGAGCCCTTCTTCCTCTTCCCCCGGGGG[T>GA]ACTCCAGCAGGCACACAAACACGCCCGCCACACTGAAGCCATGTGGTTAAGGAACAGCCC-3'

ClinVar aggregate classification (germline): Likely pathogenic (1 of 4 stars; one submission).

Conditions:
Chronic granulomatous disease. Identifiers: Orphanet 379, MedGen C0018203, MONDO:0018305.

Submission:

Natera, Inc.
Classification: Likely pathogenic for Chronic granulomatous disease. Last evaluated: 2024-04-09. Review status: criteria provided, single submitter. Criteria: Natera Variant Classification Schema (03/2026). Collection method: clinical testing. Allele origin: germline.
Comment: The c.161delAinsTC variant in CYBA is a frameshift variant predicted to elongate the protein beyond the termination codon. This variant is expected to result in nonsense mediated decay, truncation, or a dysfunctional protein product. This variant is rare in the general population with a frequency below the threshold expected for the associated phenotype(s). Given the available evidence, this variant is classified as Likely Pathogenic.